The following is an entry in ClinVar:

ClinVar aggregate classification (germline): Uncertain significance (1 of 4 stars; one submission).

Conditions:
Hereditary spastic paraplegia 11. Also called: Spastic Paraplegia 11; SPASTIC PARAPLEGIA, AUTOSOMAL RECESSIVE, COMPLICATED, WITH THIN CORPUS CALLOSUM; SPASTIC PARAPLEGIA, AUTOSOMAL RECESSIVE, WITH MENTAL IMPAIRMENT AND THIN CORPUS CALLOSUM; Nakamura Osame syndrome; Autosomal recessive hereditary spastic paraplegia, mental impairment, and thin corpus callosum; Spastic paraplegia, mental retardation and thin corpus callosum. Identifiers: Orphanet 2822, MedGen C1858479, MONDO:0011445, OMIM 604360.

Allele frequency attached by ClinVar (database versions not stated): gnomAD exomes below 0.00001; gnomAD 0.00001.
gnomAD v4.1: 2 of 1,613,696 alleles (0.00012%); highest among the groups gnomAD compares: Non-Finnish European, 0.00017%; no homozygotes.

Submission:

Labcorp Genetics (formerly Invitae), Labcorp
Classification: Uncertain significance for Hereditary spastic paraplegia 11. Last evaluated: 2021-12-01. Review status: criteria provided, single submitter. Criteria: Invitae Variant Classification Sherloc (09022015). Collection method: clinical testing. Allele origin: germline.
Comment: This sequence change replaces glutamic acid, which is acidic and polar, with valine, which is neutral and non-polar, at codon 2236 of the SPG11 protein (p.Glu2236Val). This variant is present in population databases (no rsID available, gnomAD 0.0009%). This variant has not been reported in the literature in individuals affected with SPG11-related conditions. ClinVar contains an entry for this variant (Variation ID: 1006600). Algorithms developed to predict the effect of missense changes on protein structure and function are either unavailable or do not agree on the potential impact of this missense change (SIFT: "Deleterious"; PolyPhen-2: "Possibly Damaging"; Align-GVGD: "Class C0"). In summary, the available evidence is currently insufficient to determine the role of this variant in disease. Therefore, it has been classified as a Variant of Uncertain Significance.

NM_025137.4(SPG11):c.6707A>T (p.Glu2236Val)

Gene: SPG11 (SPG11 vesicle trafficking associated, spatacsin; minus strand). Cytogenetic location: 15q21.1.
Variant type: single nucleotide variant.
Coding change: c.6707A>T on transcript NM_025137.4 (MANE Select); coding-DNA position 6707, A replaced by T.
Protein change: p.Glu2236Val; replaces glutamic acid 2236 with valine.
Molecular consequence: missense variant.
Genome position (GRCh38, 1-based): chr15:44,567,471, T>A on the plus strand (A>T on the coding strand, the complement: SPG11 is on the minus strand). VCF-style: chr15-44567471-T-A. GRCh37 (hg19) VCF-style: chr15-44859669-T-A.
Other names: c.6368A>T, p.Glu2123Val (NM_001160227.2); short protein forms E2123V, E2236V.
Identifiers: ClinVar variation 1006600 (VCV001006600.4), dbSNP rs1428941848, ClinGen allele CA392214802.
Genomic context (GRCh38, chr15:44,567,471, plus strand): 5'-TGACCTCACTCACCCCAGGGCTGAGACTCAATCAATTTCAGTTGGATGCGGGCAGCTGCC[T>A]CGTGGTTCTCGCCAATCTCCCGGCACATGCTGAAGCACAGGGCAATCATATTGTGCTTTT-3'
Protein context (NP_079413.3, residues 2226-2246): SMCREIGENH[Glu2236Val]AAARIQLKLI